The following is an entry in ClinVar:

NM_000395.3(CSF2RB):c.933C>T (p.Pro311=)

Gene: CSF2RB (colony stimulating factor 2 receptor subunit beta; plus strand). Cytogenetic location: 22q12.3.
Variant type: single nucleotide variant.
Coding change: c.933C>T on transcript NM_000395.3 (MANE Select); coding-DNA position 933, C replaced by T.
Protein change: p.Pro311=; no amino-acid change (proline 311 retained).
Molecular consequence: synonymous variant.
Genome position (GRCh38, 1-based): chr22:36,930,751, C>T. VCF-style: chr22-36930751-C-T. GRCh37 (hg19) VCF-style: chr22-37326793-C-T.
Other names: c.933C>T (NM_000395.2).
Identifiers: ClinVar variation 1554266 (VCV001554266.10), dbSNP rs373556286, ClinGen allele CA10213646.

ClinVar aggregate classification (germline): Likely benign. Review status: criteria provided, multiple submitters, no conflicts (2 of 4 stars). 3 submissions from 3 submitters: Likely benign (3). Last evaluated 2026-01-21.

Conditions:
CSF2RB-related disorder. Also called: CSF2RB-related condition.

Allele frequency attached by ClinVar (database versions not stated): ESP Exome Variant Server 0.00008; gnomAD exomes 0.00010; ExAC 0.00011; gnomAD 0.00011; TOPMed 0.00011.
gnomAD v4.1: 269 of 1,613,796 alleles (0.017%); highest among the groups gnomAD compares: Non-Finnish European, 0.021%; no homozygotes.

Submissions (3):

Labcorp Genetics (formerly Invitae), Labcorp
Classification: Likely benign. Last evaluated: 2026-01-21. Review status: criteria provided, single submitter. Criteria: Invitae Variant Classification Sherloc (09022015). Collection method: clinical testing. Allele origin: germline.

PreventionGenetics, part of Exact Sciences
Classification: Likely benign for CSF2RB-related condition. Last evaluated: 2024-10-29. Review status: criteria provided, single submitter. Criteria: ACMG Guidelines, 2015. Collection method: clinical testing. Allele origin: germline.
Comment: This variant is classified as likely benign based on ACMG/AMP sequence variant interpretation guidelines (Richards et al. 2015 PMID: 25741868, with internal and published modifications).

Blueprint Genetics
Classification: Likely benign. Last evaluated: 2024-09-11. Review status: criteria provided, single submitter. Criteria: ACMG Guidelines, 2015. Collection method: clinical testing. Allele origin: germline.